The following is an entry in ClinVar:

NM_021267.5(CERS1):c.293A>G (p.Lys98Arg)

Genes: GDF1 (growth differentiation factor 1; minus strand), CERS1 (ceramide synthase 1; minus strand). Cytogenetic location: 19p13.11.
Variant type: single nucleotide variant.
Coding change: c.293A>G on transcript NM_021267.5 (MANE Select); coding-DNA position 293, A replaced by G.
Protein change: p.Lys98Arg; replaces lysine 98 with arginine.
Molecular consequence: missense variant. On other transcripts: 5 prime UTR variant (7).
Genome position (GRCh38, 1-based): chr19:18,893,532, T>C on the plus strand (A>G on the coding strand, the complement: CERS1 is on the minus strand). VCF-style: chr19-18893532-T-C. GRCh37 (hg19) VCF-style: chr19-19004341-T-C.
Other names: c.-2A>G (NM_001290265.2, NM_001387442.1, NM_001387443.1 and 2 more transcripts); c.293A>G, p.Lys98Arg (NM_001387439.1, NM_001387440.1, NM_001387441.1 and 1 more transcripts); c.-610A>G (NM_001387438.1); c.-1030A>G (NM_001492.6); short protein forms K98R.
Identifiers: ClinVar variation 948837 (VCV000948837.9), dbSNP rs770877225, ClinGen allele CA9318315.

ClinVar aggregate classification (germline): Uncertain significance. Review status: criteria provided, multiple submitters, no conflicts (2 of 4 stars). 2 submissions from 2 submitters: Uncertain significance (2). Last evaluated 2024-06-07.

Conditions:
Progressive myoclonic epilepsy type 8. Identifiers: Orphanet 424027, MedGen C5190825, MONDO:0014545, OMIM 616230.

Allele frequency attached by ClinVar (database versions not stated): ExAC 0.00004; gnomAD 0.00004; gnomAD exomes 0.00005 and 0.00013; TOPMed 0.00006.
gnomAD v4.1: 188 of 1,610,866 alleles (0.012%); highest among the groups gnomAD compares: Non-Finnish European, 0.015%; no homozygotes.

Submissions (2):

Ambry Genetics
Classification: Uncertain significance. Last evaluated: 2024-06-07. Review status: criteria provided, single submitter. Criteria: Ambry Variant Classification Scheme 2023. Collection method: clinical testing. Allele origin: germline.

Labcorp Genetics (formerly Invitae), Labcorp
Classification: Uncertain significance for Progressive myoclonic epilepsy type 8. Last evaluated: 2023-10-03. Review status: criteria provided, single submitter. Criteria: Invitae Variant Classification Sherloc (09022015). Collection method: clinical testing. Allele origin: germline.
Comment: This sequence change replaces lysine, which is basic and polar, with arginine, which is basic and polar, at codon 98 of the CERS1 protein (p.Lys98Arg). This variant is present in population databases (rs770877225, gnomAD 0.009%). This variant has not been reported in the literature in individuals affected with CERS1-related conditions. ClinVar contains an entry for this variant (Variation ID: 948837). Advanced modeling of protein sequence and biophysical properties (such as structural, functional, and spatial information, amino acid conservation, physicochemical variation, residue mobility, and thermodynamic stability) performed at Invitae indicates that this missense variant is not expected to disrupt CERS1 protein function. In summary, the available evidence is currently insufficient to determine the role of this variant in disease. Therefore, it has been classified as a Variant of Uncertain Significance.